The following is an entry in ClinVar:

ClinVar aggregate classification (germline): Conflicting classifications of pathogenicity. Review status: criteria provided, conflicting classifications (1 of 4 stars). 2 submissions from 2 submitters: Pathogenic (1); Uncertain significance (1). Last evaluated 2025-11-01.

Conditions:
TBC1D24-related disorder. Also called: TBC1D24-related disorders; TBC1D24-related condition. Identifiers: MedGen CN381194.
Developmental and epileptic encephalopathy, 1 (DEE1). Also called: X-linked infantile spasms; West's syndrome; Tonic spasms with clustering, arrest of psychomotor development and hypsarrhythmia on EEG; X-Linked Infantile Spasm Syndrome; OHTAHARA SYNDROME, X-LINKED; Epileptic encephalopathy, early infantile, 1. Identifiers: MedGen C3463992, MONDO:0010632, OMIM 308350. Disease mechanism: loss of function.
Autosomal dominant nonsyndromic hearing loss 65. Also called: TBC1D24-Related Autosomal Dominant Nonsyndromic Hearing Loss (DFNA); Deafness, autosomal dominant 65. Identifiers: Orphanet 90635, MedGen C3892048, MONDO:0014470, OMIM 616044.

Allele frequency attached by ClinVar (database versions not stated): gnomAD 0.00001; gnomAD exomes 0.00001; ExAC 0.00002; 1000 Genomes Project 30x 0.00016; 1000 Genomes Project 0.00020.
gnomAD v4.1: 16 of 1,614,124 alleles (0.00099%); highest among the groups gnomAD compares: South Asian, 0.0022%; no homozygotes.

Submissions (2):

PreventionGenetics, part of Exact Sciences
Classification: Uncertain significance for TBC1D24-related condition. Last evaluated: 2025-11-01. Review status: criteria provided, single submitter. Criteria: ACMG Guidelines, 2015. Collection method: clinical testing. Allele origin: germline.
Comment: The TBC1D24 c.725G>A variant is predicted to result in the amino acid substitution p.Arg242His. This variant was reported in the compound heterozygous state to a pathogenic TBC1D24 variant in one individual with epilepsy without hearing loss (Zhang et al. 2019. PubMed ID: 31112829; Table S1 & S2, Burgess et al. 2019. PubMed ID: 31618474). This variant is reported in 0.0065% of alleles in individuals of South Asian descent in gnomAD. An alternate substitution (Arg242Cys) at this amino acid position has been reported to be pathogenic (Campeau et al. 2014. PubMed ID: 24291220; Balestrini et al. 2016. PubMed ID: 27281533; Fernández-Marmiesse et al. 2019. PubMed ID: 31780880). Although we suspect that this variant may be pathogenic, at this time, the clinical significance of this variant is uncertain due to the absence of conclusive functional and genetic evidence.

Labcorp Genetics (formerly Invitae), Labcorp
Classification: Pathogenic for Developmental and epileptic encephalopathy, 1; Autosomal dominant nonsyndromic hearing loss 65. Last evaluated: 2024-04-25. Review status: criteria provided, single submitter. Criteria: Invitae Variant Classification Sherloc (09022015). Collection method: clinical testing. Allele origin: germline.
Comment: This sequence change replaces arginine, which is basic and polar, with histidine, which is basic and polar, at codon 242 of the TBC1D24 protein (p.Arg242His). This variant is present in population databases (rs199744635, gnomAD 0.006%). This missense change has been observed in individual(s) with autosomal recesesive TBC1D24-related conditions (PMID: 31112829). In at least one individual the data is consistent with being in trans (on the opposite chromosome) from a pathogenic variant. ClinVar contains an entry for this variant (Variation ID: 665574). Advanced modeling of protein sequence and biophysical properties (such as structural, functional, and spatial information, amino acid conservation, physicochemical variation, residue mobility, and thermodynamic stability) performed at Invitae indicates that this missense variant is expected to disrupt TBC1D24 protein function with a positive predictive value of 80%. This variant disrupts the p.Arg242 amino acid residue in TBC1D24. Other variant(s) that disrupt this residue have been determined to be pathogenic (PMID: 24291220, 27281533, 31780880). This suggests that this residue is clinically significant, and that variants that disrupt this residue are likely to be disease-causing. For these reasons, this variant has been classified as Pathogenic.

Literature cited by the submitters: PubMed 31112829 (cited by Labcorp Genetics (formerly Invitae), Labcorp); PubMed 24291220 (cited by Labcorp Genetics (formerly Invitae), Labcorp); PubMed 27281533 (cited by Labcorp Genetics (formerly Invitae), Labcorp); PubMed 31780880 (cited by Labcorp Genetics (formerly Invitae), Labcorp).

NM_001199107.2(TBC1D24):c.725G>A (p.Arg242His)

Gene: TBC1D24 (TBC1 domain family member 24; plus strand). Cytogenetic location: 16p13.3.
Variant type: single nucleotide variant.
Coding change: c.725G>A on transcript NM_001199107.2 (MANE Select); coding-DNA position 725, G replaced by A.
Protein change: p.Arg242His; replaces arginine 242 with histidine.
Molecular consequence: missense variant.
Genome position (GRCh38, 1-based): chr16:2,496,873, G>A. VCF-style: chr16-2496873-G-A. GRCh37 (hg19) VCF-style: chr16-2546874-G-A.
Other names: c.725G>A, p.Arg242His (NM_020705.3); short protein forms R242H.
Identifiers: ClinVar variation 665574 (VCV000665574.9), dbSNP rs199744635, ClinGen allele CA7844052.
Genomic context (GRCh38, chr16:2,496,873, plus strand): 5'-TCTGCTACTTCGCCCGGGTCTTTGACGTCTTCCTGGTGGAGGGCTACAAGGTGCTGTACC[G>A]CGTGGCGCTGGCCATCCTCAAGTTCTTCCACAAGGTGAGGGCCGGGCAGCCGCTGGAGTC-3'
Protein context (NP_001186036.1, residues 232-252): FLVEGYKVLY[Arg242His]VALAILKFFH